The following is an entry in ClinVar:

NM_001958.5(EEF1A2):c.1203C>T (p.Ile401=)

Gene: EEF1A2 (eukaryotic translation elongation factor 1 alpha 2; minus strand). Cytogenetic location: 20q13.33.
Variant type: single nucleotide variant.
Coding change: c.1203C>T on transcript NM_001958.5 (MANE Select); coding-DNA position 1203, C replaced by T.
Protein change: p.Ile401=; no amino-acid change (isoleucine 401 retained).
Molecular consequence: synonymous variant.
Genome position (GRCh38, 1-based): chr20:63,488,979, G>A on the plus strand (C>T on the coding strand, the complement: EEF1A2 is on the minus strand). VCF-style: chr20-63488979-G-A. GRCh37 (hg19) VCF-style: chr20-62120332-G-A.
Identifiers: ClinVar variation 1298876 (VCV001298876.35), dbSNP rs758653621, ClinGen allele CA9958956.

ClinVar aggregate classification (germline): Likely benign (1 of 4 stars; one submission).

gnomAD v4.1: 7 of 1,612,584 alleles (0.00043%); highest among the groups gnomAD compares: Non-Finnish European, 0.00059%; no homozygotes.

Submission:

CeGaT Center for Human Genetics Tuebingen
Classification: Likely benign. Last evaluated: 2022-04-01. Review status: criteria provided, single submitter. Criteria: CeGaT Center For Human Genetics Tuebingen Variant Classification Criteria Version 2. Collection method: clinical testing. Allele origin: germline. Affected: yes. Observed: 2 variant alleles.
Comment: EEF1A2: BP4, BP7